The following is an entry in ClinVar:

ClinVar aggregate classification (germline): Uncertain significance (1 of 4 stars; one submission).

Conditions:
Juvenile polyposis syndrome (JPS). Identifiers: Orphanet 2929, MedGen C0345893, MONDO:0017380, OMIM 174900.

Submission:

Labcorp Genetics (formerly Invitae), Labcorp
Classification: Uncertain significance for Juvenile polyposis syndrome. Last evaluated: 2020-07-13. Review status: criteria provided, single submitter. Criteria: Invitae Variant Classification Sherloc (09022015). Collection method: clinical testing. Allele origin: germline.
Comment: This sequence change replaces serine with asparagine at codon 365 of the BMPR1A protein (p.Ser365Asn). The serine residue is highly conserved and there is a small physicochemical difference between serine and asparagine. This variant is not present in population databases (ExAC no frequency). This variant has not been reported in the literature in individuals with BMPR1A-related conditions. Algorithms developed to predict the effect of missense changes on protein structure and function (SIFT, PolyPhen-2, Align-GVGD) all suggest that this variant is likely to be disruptive, but these predictions have not been confirmed by published functional studies and their clinical significance is uncertain. In summary, the available evidence is currently insufficient to determine the role of this variant in disease. Therefore, it has been classified as a Variant of Uncertain Significance.

NM_004329.3(BMPR1A):c.1094G>A (p.Ser365Asn)

Gene: BMPR1A (bone morphogenetic protein receptor type 1A; plus strand). Cytogenetic location: 10q23.2.
Variant type: single nucleotide variant.
Coding change: c.1094G>A on transcript NM_004329.3 (MANE Select); coding-DNA position 1094, G replaced by A.
Protein change: p.Ser365Asn; replaces serine 365 with asparagine.
Molecular consequence: missense variant.
Genome position (GRCh38, 1-based): chr10:86,919,397, G>A. VCF-style: chr10-86919397-G-A. GRCh37 (hg19) VCF-style: chr10-88679154-G-A.
Other names: short protein forms S365N.
Identifiers: ClinVar variation 1024466 (VCV001024466.9), dbSNP rs1843627623, ClinGen allele CA377460846.